The following is an entry in ClinVar:

ClinVar aggregate classification (germline): Uncertain significance (1 of 4 stars; one submission).

Allele frequency attached by ClinVar (database versions not stated): gnomAD exomes below 0.00001.
gnomAD v4.1: 2 of 1,614,066 alleles (0.00012%); highest among the groups gnomAD compares: Non-Finnish European, 0.00017%; no homozygotes.

Submission:

Labcorp Genetics (formerly Invitae), Labcorp
Classification: Uncertain significance. Last evaluated: 2020-02-07. Review status: criteria provided, single submitter. Criteria: Invitae Variant Classification Sherloc (09022015). Collection method: clinical testing. Allele origin: germline.
Comment: Algorithms developed to predict the effect of missense changes on protein structure and function do not agree on the potential impact of this missense change (SIFT: "Deleterious"; PolyPhen-2: "Probably Damaging"; Align-GVGD: "Class C0"). This variant has not been reported in the literature in individuals with an SCN3A-related disease. This variant is not present in population databases (ExAC no frequency). In summary, this variant has uncertain impact on SCN3A function. The available evidence is currently insufficient to determine its role in disease. Therefore, it has been classified as a Variant of Uncertain Significance. This sequence change replaces isoleucine with threonine at codon 1847 of the SCN3A protein (p.Ile1847Thr). The isoleucine residue is moderately conserved and there is a moderate physicochemical difference between isoleucine and threonine.

NM_006922.4(SCN3A):c.5540T>C (p.Ile1847Thr)

Gene: SCN3A (sodium voltage-gated channel alpha subunit 3; minus strand). Cytogenetic location: 2q24.3.
Variant type: single nucleotide variant.
Coding change: c.5540T>C on transcript NM_006922.4 (MANE Select); coding-DNA position 5540, T replaced by C.
Protein change: p.Ile1847Thr; replaces isoleucine 1847 with threonine.
Molecular consequence: missense variant.
Genome position (GRCh38, 1-based): chr2:165,090,613, A>G on the plus strand (T>C on the coding strand, the complement: SCN3A is on the minus strand). VCF-style: chr2-165090613-A-G. GRCh37 (hg19) VCF-style: chr2-165947123-A-G.
Other names: c.5393T>C, p.Ile1798Thr (NM_001081676.2, NM_001081677.2); short protein forms I1847T, I1798T.
Identifiers: ClinVar variation 948531 (VCV000948531.9), dbSNP rs1685046616, ClinGen allele CA349011551.